The following is an entry in ClinVar:

ClinVar aggregate classification (germline): Pathogenic (1 of 4 stars; one submission).

Allele frequency attached by ClinVar (database versions not stated): gnomAD 0.00001.
gnomAD v4.1: 1 of 1,613,986 alleles (0.000062%); no homozygotes.

Submission:

Labcorp Genetics (formerly Invitae), Labcorp
Classification: Pathogenic. Last evaluated: 2022-07-10. Review status: criteria provided, single submitter. Criteria: Invitae Variant Classification Sherloc (09022015). Collection method: clinical testing. Allele origin: germline.
Comment: For these reasons, this variant has been classified as Pathogenic. This variant has not been reported in the literature in individuals affected with USH2A-related conditions. This variant is not present in population databases (gnomAD no frequency). This sequence change creates a premature translational stop signal (p.Trp4622*) in the USH2A gene. It is expected to result in an absent or disrupted protein product. Loss-of-function variants in USH2A are known to be pathogenic (PMID: 10729113, 10909849, 20507924, 25649381).

Literature cited by the submitters: PubMed 10729113; PubMed 10909849; PubMed 20507924; PubMed 25649381.

NM_206933.4(USH2A):c.13865G>A (p.Trp4622Ter)

Gene: USH2A (usherin; minus strand). Cytogenetic location: 1q41.
Variant type: single nucleotide variant.
Coding change: c.13865G>A on transcript NM_206933.4 (MANE Select); coding-DNA position 13865, G replaced by A.
Protein change: p.Trp4622Ter; replaces tryptophan 4622 with a stop codon.
Molecular consequence: nonsense.
Genome position (GRCh38, 1-based): chr1:215,671,240, C>T on the plus strand (G>A on the coding strand, the complement: USH2A is on the minus strand). VCF-style: chr1-215671240-C-T. GRCh37 (hg19) VCF-style: chr1-215844582-C-T.
Other names: short protein forms W4622*.
Identifiers: ClinVar variation 2015744 (VCV002015744.4), dbSNP rs1657805957, ClinGen allele CA344841757.